The following is an entry in ClinVar:

ClinVar aggregate classification (germline): Pathogenic. Review status: reviewed by expert panel (3 of 4 stars). 7 submissions from 7 submitters: Pathogenic (1). 6 of the submissions do not count toward it. Last evaluated 2023-11-17.

Conditions:
ITGA2B-related disorder. Also called: ITGA2B-related condition; ITGA2B-related disorders.
Glanzmann thrombasthenia 1 (GT1). Also called: GP IIb-IIIa COMPLEX DEFICIENCY; GLYCOPROTEIN COMPLEX IIb-IIIa DEFICIENCY; PLATELET FIBRINOGEN RECEPTOR DEFICIENCY; BLEEDING DISORDER, PLATELET-TYPE, 2. Identifiers: MedGen CN300358, MONDO:0031332, OMIM 273800.
Glanzmann thrombasthenia. Also called: Glanzmann's thrombasthenia; THROMBASTHENIA OF GLANZMANN AND NAEGELI; PLATELET GLYCOPROTEIN IIb-IIIa DEFICIENCY; Thrombasthenia. Identifiers: Orphanet 849, MedGen C0040015, MONDO:0100326.

Allele frequency attached by ClinVar (database versions not stated): gnomAD exomes 0.00006 and 0.00007; TOPMed 0.00006; gnomAD 0.00005 and 0.00006; ExAC 0.00011.

Submissions (7):

ClinGen Platelet Disorders Variant Curation Expert Panel, ClinGen
Classification: Pathogenic for Glanzmann thrombasthenia. Last evaluated: 2023-11-17. Review status: reviewed by expert panel. Criteria: ClinGen Platelet ACMG Specifications v2-1. Collection method: curation. Allele origin: germline. Inheritance: Autosomal recessive inheritance.
Comment: The NM_000419.5(ITGA2B):c.1787T>C (p.Ile596Thr) missense variant has been reported in the homozygous state in at least 2 apparently unrelated individuals (PMID: 22513797, 20020534) and in the compound heterozygous state in 4 individuals (PMID: 9215749, 9734640, 34552732, 25373348). The second variants in these patients are c.3060+2T>C (classified Pathogenic by the PD-VCEP; without confirmation of trans phase), Glu355Lys (classified Pathogenic by the PD-VCEP; with confirmation of trans phase), c.2841+1G>T, and c.408G>C (latter two not considered here to avoid circularity) respectively (PM3_Strong). The proband from PMID: 22513797 meets criteria for PP4_Strong including mucocutaneous bleeding; abnormal platelet aggregometry in response to at least 2 agonist and normal response to ristocetin; absent surface expression of GPIIb-IIIa on flow cytometry; and full sequencing of ITGA2B and ITGB3. Ile596Thr is reported in gnomAD v4.0.0 at a frequency of 0.00008305 (98/1179968 alleles) in the non-Finnish European population, below the PM2_supporting threshold of <0.0001. In summary, this variant is classified Pathogenic for autosomal recessive Glanzmann thrombasthenia. GT-specific codes applied: PP4_Strong, PM2_Supporting, PM3_Strong, PP1. (PD-VCEP specifications version 2)

Labcorp Genetics (formerly Invitae), Labcorp
Classification: Pathogenic for Glanzmann thrombasthenia. Last evaluated: 2025-05-18. Review status: criteria provided, single submitter. Criteria: Invitae Variant Classification Sherloc (09022015). Collection method: clinical testing. Allele origin: germline. Not counted in ClinVar's aggregate classification.
Comment: This sequence change replaces isoleucine, which is neutral and non-polar, with threonine, which is neutral and polar, at codon 596 of the ITGA2B protein (p.Ile596Thr). This variant is present in population databases (rs76811038, gnomAD 0.01%). This missense change has been observed in individuals with clinical features of autosomal recessive Glanzmann thrombasthenia (PMID: 9215749, 9734640, 20020534, 22513797, 25326637, 25373348). It has also been observed to segregate with disease in related individuals. ClinVar contains an entry for this variant (Variation ID: 2900). Invitae Evidence Modeling of protein sequence and biophysical properties (such as structural, functional, and spatial information, amino acid conservation, physicochemical variation, residue mobility, and thermodynamic stability) indicates that this missense variant is expected to disrupt ITGA2B protein function with a positive predictive value of 95%. For these reasons, this variant has been classified as Pathogenic.

GeneDx
Classification: Likely pathogenic. Last evaluated: 2024-12-18. Review status: criteria provided, single submitter. Criteria: GeneDx Variant Classification Process June 2021. Collection method: clinical testing. Allele origin: germline. Affected: yes. Not counted in ClinVar's aggregate classification.
Comment: In silico analysis supports that this missense variant has a deleterious effect on protein structure/function; This variant is associated with the following publications: (PMID: 20020534, 22513797, 25326637, 9734640, 37647632, 9215749, 34552732, 25373348)

Mayo Clinic Laboratories, Mayo Clinic
Classification: Pathogenic. Last evaluated: 2024-11-27. Review status: criteria provided, single submitter. Criteria: ACMG Guidelines, 2015. Collection method: clinical testing. Allele origin: germline. Observed: 2 variant alleles. Not counted in ClinVar's aggregate classification.
Comment: PP1, PP4_strong, PM2_supporting, PM3_strong

Women's Health and Genetics/Laboratory Corporation of America, LabCorp
Classification: Likely pathogenic for Glanzmann thrombasthenia 1. Last evaluated: 2023-06-02. Review status: criteria provided, single submitter. Criteria: LabCorp Variant Classification Summary - May 2015. Collection method: clinical testing. Allele origin: germline. Not counted in ClinVar's aggregate classification.
Comment: Variant summary: ITGA2B c.1787T>C (p.Ile596Thr) results in a non-conservative amino acid change located in the Integrin alpha-2 domain (IPR013649) of the encoded protein sequence. Five of five in-silico tools predict a damaging effect of the variant on protein function. The variant allele was found at a frequency of 6.4e-05 in 250706 control chromosomes (gnomAD). c.1787T>C has been reported in the literature as a biallelic genotype in individuals affected with Glanzmann thrombasthenia 1 (e.g. French_1997, Ruan_1998, Jallu_2010) and in one potential compound heterozygote (e.g. Lee_2014). These data indicate that the variant is likely to be associated with disease. To our knowledge, no experimental evidence demonstrating an impact on protein function has been reported. The following publications have been ascertained in the context of this evaluation (PMID: 9215749, 20020534, 25326637, 9734640). Two ClinVar submitters have assessed the variant since 2014, including one expert panel (ClinGen Platelet Disorders Variant Curation Expert Panel): the expert panel classified the variant as uncertain significance, and the other submitter classified the variant as pathogenic. Based on the evidence outlined above, the variant was classified as likely pathogenic.

PreventionGenetics, part of Exact Sciences
Classification: Likely pathogenic for ITGA2B-related condition. Last evaluated: 2024-07-02. Review status: no assertion criteria provided. Collection method: clinical testing. Allele origin: germline. Not counted in ClinVar's aggregate classification.
Comment: The ITGA2B c.1787T>C variant is predicted to result in the amino acid substitution p.Ile596Thr. This variant has been reported in the compound heterozygous state and homozygous states in two patients with Glanzmann’s thrombasthenia (French et al. 1997. PubMed ID: 9215749). This variant is reported in 0.013% of alleles in individuals of European (Non-Finnish) descent in gnomAD and is interpreted as pathogenic by the ClinGen Platelet Disorders Variant Curation Expert Panel. We interpret this variant as likely pathogenic.

OMIM
Classification: Pathogenic for GLANZMANN THROMBASTHENIA 1. Last evaluated: 1998-09-01. Review status: no assertion criteria provided. Collection method: literature only. Allele origin: germline. Not counted in ClinVar's aggregate classification.

Literature cited by the submitters: PubMed 9215749 (cited by 3 submitters); PubMed 9734640 (cited by 4 submitters); PubMed 20020534 (cited by 3 submitters); PubMed 22513797 (cited by Labcorp Genetics (formerly Invitae), Labcorp and Mayo Clinic Laboratories, Mayo Clinic); PubMed 25326637 (cited by Labcorp Genetics (formerly Invitae), Labcorp and Women's Health and Genetics/Laboratory Corporation of America, LabCorp); PubMed 25373348 (cited by Labcorp Genetics (formerly Invitae), Labcorp and Mayo Clinic Laboratories, Mayo Clinic); PubMed 34552732 (cited by Mayo Clinic Laboratories, Mayo Clinic).

NM_000419.5(ITGA2B):c.1787T>C (p.Ile596Thr)

Gene: ITGA2B (integrin subunit alpha 2b; minus strand). Cytogenetic location: 17q21.31.
Variant type: single nucleotide variant.
Coding change: c.1787T>C on transcript NM_000419.5 (MANE Select); coding-DNA position 1787, T replaced by C.
Protein change: p.Ile596Thr; replaces isoleucine 596 with threonine.
Molecular consequence: missense variant.
Genome position (GRCh38, 1-based): chr17:44,379,780, A>G on the plus strand (T>C on the coding strand, the complement: ITGA2B is on the minus strand). VCF-style: chr17-44379780-A-G. GRCh37 (hg19) VCF-style: chr17-42457148-A-G.
Other names: I565T; c.1787T>C, p.Ile596Thr (LRG_479t1); c.1787T>C (NM_000419.4); short protein forms I596T.
Identifiers: ClinVar variation 2900 (VCV000002900.15), dbSNP rs76811038, ClinGen allele CA115846.
Genomic context (GRCh38, chr17:44,379,780, plus strand): 5'-ACGACAGCAGGGGCCATTCCAGCCTCCGTGGGCGGTAGGGACACATTGAGGCTGAGCACA[A>G]TGGGGCTCAGCTTGTCCCGGAAGTCTGCCTCATCCTAGGACAGGGGCAAGAGTCAGGCCA-3'
Protein context (NP_000410.2, residues 586-606): EADFRDKLSP[Ile596Thr]VLSLNVSLPP